The following continues an entry in ClinVar:

NM_000257.4(MYH7):c.2155C>T (p.Arg719Trp)

Gene: MYH7. ClinVar aggregate classification (germline): Pathogenic. Pathogenic (1).

Submissions 14 to 24 of 24:

Laboratory for Molecular Medicine, Mass General Brigham Personalized Medicine
Classification: Pathogenic for Hypertrophic cardiomyopathy. Last evaluated: 2019-02-22. Review status: criteria provided, single submitter. Criteria: LMM Criteria. Collection method: clinical testing. Allele origin: germline. Observed: 9 variant alleles. Not counted in ClinVar's aggregate classification.
Comment: The p.Arg719Trp variant in MYH7 has been identified in >30 individuals with HCM (Treger 1965, Hejtmancik 1991, Anan 1994, Greve 1994, Jeschke 1998, JÃ¤Ã¤skelÃ¤inen 1998, Richard 2003, JÃ¤Ã¤skelÃ¤inen 2004, Poutanen 2006, Wang 2009, Santos 2012, Meyer 2013, Walsh 2017, Kelly 2018). In addition, it segregated with disease in >20 affected relatives from multiple families (Hejtmancik 1991, Anan 1994, Wang 2009, Guo 2017, LMM data) and was reported to have occurred de novo in 2 individuals (Greve 1994, Jeschke 1998). It has also been identified in 1/15430 European chromosomes by gnomAD. In vitro functional studies support an impact on protein function (Yamashita 2000, Kohler 2002, Seebohm 2009, Tripathi 2011). Other variants involving this codon, p.Arg719Gln and p.Arg719Pro, have also been associated with HCM. Of note, this variant lies in the head region of the protein. Missense variants in this region have been reported and statistically indicated to be more likely to cause disease (Walsh 2016). This variant was classified as pathogenic on 12/15/16 by the ClinGen-approved Inherited Cardiomyopathy Expert Panel (Variation ID 14104). In summary, this variant meets criteria to be classified as pathogenic for autosomal dominant HCM. ACMG/AMP Criteria applied: PS4, PP1_Strong, PS2, PS3_Moderate, PM1, PM2, PM5, PP3.

Agnes Ginges Centre for Molecular Cardiology, Centenary Institute
Classification: Pathogenic for Hypertrophic cardiomyopathy 1. Last evaluated: 2018-09-27. Review status: criteria provided, single submitter. Criteria: ACMG Guidelines, 2015. Collection method: research. Allele origin: germline. Inheritance: Autosomal dominant inheritance. Affected: yes. Not counted in ClinVar's aggregate classification.
Comment: This variant has been identified in 3 HCM probands by our research program. For further information please feel free to contact us.

Phosphorus, Inc.
Classification: Pathogenic for Hypertrophic cardiomyopathy 1. Last evaluated: 2017-08-01. Review status: criteria provided, single submitter. Criteria: ACMG Guidelines, 2015. Collection method: clinical testing. Allele origin: germline. Observed: 1 variant allele. Not counted in ClinVar's aggregate classification.

Eurofins Ntd Llc (ga)
Classification: Pathogenic. Last evaluated: 2015-04-03. Review status: criteria provided, single submitter. Criteria: EGL Classification Definitions 2015. Collection method: clinical testing. Allele origin: germline. Not counted in ClinVar's aggregate classification.

Stanford Center for Inherited Cardiovascular Disease, Stanford University
Classification: Pathogenic. Last evaluated: 2013-12-10. Review status: criteria provided, single submitter. Criteria: ACMG Guidelines, 2015. Collection method: provider interpretation. Allele origin: germline. Not counted in ClinVar's aggregate classification.

Clinical Genetics Service, Universitary Hospital 12 de Octubre
Classification: Pathogenic for Hypertrophic cardiomyopathy 1. Review status: criteria provided, single submitter. Criteria: ACMG Guidelines, 2015. Collection method: clinical testing. Allele origin: germline. Affected: yes. Not counted in ClinVar's aggregate classification.

Juno Genomics, Hangzhou Juno Genomics, Inc
Classification: Pathogenic for Dilated cardiomyopathy 1S; Hypertrophic cardiomyopathy 1. Review status: criteria provided, single submitter. Criteria: ACMG Guidelines, 2015. Collection method: clinical testing. Allele origin: germline. Not counted in ClinVar's aggregate classification.
Comment: Absent from controls (or at extremely low frequency if recessive) in Genome Aggregation Database.;Well-established in vitro or in vivo functional studies supportive of a damaging effect on the gene or gene product.;Novel missense change at an amino acid residue where a different missense change determined to be pathogenic has been seen before.;Assumed de novo, but without confirmation of paternity and maternity.;Co-segregation with disease in multiple affected family members.;The prevalence of the variant in affected individuals is significantly increased compared to the prevalence in controls.

KTest Genetics, KTest
Classification: Pathogenic for Dilated cardiomyopathy 1S. Review status: criteria provided, single submitter. Criteria: ACMG Guidelines, 2015. Collection method: clinical testing. Allele origin: germline. Affected: yes. Not counted in ClinVar's aggregate classification.

OMIM
Classification: Pathogenic for CARDIOMYOPATHY, FAMILIAL HYPERTROPHIC, 1. Last evaluated: 1998-03-01. Review status: no assertion criteria provided. Collection method: literature only. Allele origin: germline. Not counted in ClinVar's aggregate classification.

Clinical Genetics DNA and cytogenetics Diagnostics Lab, Erasmus MC, Erasmus Medical Center
Classification: Pathogenic. Review status: no assertion criteria provided. Collection method: clinical testing. Allele origin: germline. Affected: yes. Study: VKGL Data-share Consensus. Not counted in ClinVar's aggregate classification.

Diagnostic Laboratory, Department of Genetics, University Medical Center Groningen
Classification: Pathogenic. Review status: no assertion criteria provided. Collection method: clinical testing. Allele origin: germline. Affected: yes. Study: VKGL Data-share Consensus. Not counted in ClinVar's aggregate classification.

Literature cited by the submitters: PubMed 24829265 (cited by ClinGen Cardiomyopathy Variant Curation Expert Panel and 3billion); PubMed 22429680 (cited by 4 submitters); PubMed 12707239 (cited by 7 submitters); PubMed 10957787 (cited by 6 submitters); PubMed 12974739 (cited by 3 submitters); PubMed 9829907 (cited by 3 submitters); PubMed 8282798 (cited by 10 submitters); PubMed 23816408 (cited by 6 submitters); PubMed 27532257 (cited by 7 submitters); PubMed 19645038 (cited by 5 submitters); PubMed 9822100 (cited by 6 submitters); PubMed 29300372 (cited by 3 submitters); PubMed 9544842 (cited by 7 submitters); PubMed 11904418 (cited by 4 submitters); PubMed 16504640 (cited by 5 submitters); PubMed 19651039 (cited by 6 submitters); PubMed 21769673 (cited by 5 submitters); PubMed 10882745 (cited by 4 submitters); PubMed 19659763 (cited by Ambry Genetics); PubMed 20378854 (cited by 4 submitters); PubMed 21896538 (cited by Ambry Genetics); PubMed 24510615 (cited by Ambry Genetics); PubMed 26912705 (cited by Ambry Genetics); PubMed 27082122 (cited by Ambry Genetics and Phosphorus, Inc.); PubMed 27247418 (cited by Ambry Genetics and Phosphorus, Inc.); PubMed 28408708 (cited by Ambry Genetics); PubMed 29907873 (cited by Ambry Genetics and Laboratory for Molecular Medicine, Mass General Brigham Personalized Medicine); PubMed 30775854 (cited by Ambry Genetics and All of Us Research Program, National Institutes of Health); PubMed 32612965 (cited by Ambry Genetics and All of Us Research Program, National Institutes of Health); PubMed 7731997 (cited by Ambry Genetics); PubMed 14563299 (cited by 3billion); PubMed 30297972 (cited by 3billion and All of Us Research Program, National Institutes of Health); PubMed 15000344 (cited by 3 submitters); PubMed 25239116 (cited by All of Us Research Program, National Institutes of Health); PubMed 25558701 (cited by All of Us Research Program, National Institutes of Health); PubMed 9154300 (cited by 4 submitters); PubMed 12084606 (cited by 3 submitters); PubMed 21310275 (cited by Laboratory for Molecular Medicine, Mass General Brigham Personalized Medicine and Phosphorus, Inc.); PubMed 24888384 (cited by Laboratory for Molecular Medicine, Mass General Brigham Personalized Medicine and Phosphorus, Inc.); PubMed 29029073 (cited by Laboratory for Molecular Medicine, Mass General Brigham Personalized Medicine); PubMed 28296734 (cited by Laboratory for Molecular Medicine, Mass General Brigham Personalized Medicine); PubMed 9001794 (cited by Laboratory for Molecular Medicine, Mass General Brigham Personalized Medicine and Phosphorus, Inc.); PubMed 7874131 (cited by Laboratory for Molecular Medicine, Mass General Brigham Personalized Medicine and Phosphorus, Inc.); PubMed 15858117 (cited by Agnes Ginges Centre for Molecular Cardiology, Centenary Institute); PubMed 18414213 (cited by Phosphorus, Inc.); PubMed 25611685 (cited by Phosphorus, Inc.).